The following is an entry in ClinVar:

ClinVar aggregate classification (germline): Uncertain significance (1 of 4 stars; one submission).

Conditions:
SLC26A2-related skeletal dysplasia. Identifiers: MedGen CN379209, MONDO:0100592.

gnomAD v4.1: 1 of 1,614,122 alleles (0.000062%); highest among the groups gnomAD compares: African/African-American, 0.0013%; no homozygotes.

Submission:

Myriad Genetics, Inc.
Classification: Uncertain significance for SLC26A2-related skeletal dysplasia. Last evaluated: 2026-02-18. Review status: criteria provided, single submitter. Criteria: Myriad Autosomal Dominant, Autosomal Recessive and X-Linked Classification Criteria (2023). Collection method: clinical testing. Allele origin: unknown.
Comment: NM_000112.3(SLC26A2):c.1700C>G(S567C) is a missense variant classified as a variant of uncertain significance in the context of SLC26A2-related disorders. S567C has not been observed in cases with relevant disease. Relevant functional assessments of this variant are not available in the literature. S567C has been observed in referenced population frequency databases. In summary, there is insufficient evidence to classify NM_000112.3(SLC26A2):c.1700C>G(S567C) as pathogenic or benign. Please note: this variant was assessed in the context of healthy population screening.

NM_000112.4(SLC26A2):c.1700C>G (p.Ser567Cys)

Gene: SLC26A2 (solute carrier family 26 member 2; plus strand). Cytogenetic location: 5q32.
Variant type: single nucleotide variant.
Coding change: c.1700C>G on transcript NM_000112.4 (MANE Select); coding-DNA position 1700, C replaced by G.
Protein change: p.Ser567Cys; replaces serine 567 with cysteine.
Molecular consequence: missense variant.
Genome position (GRCh38, 1-based): chr5:149,981,293, C>G. VCF-style: chr5-149981293-C-G. GRCh37 (hg19) VCF-style: chr5-149360856-C-G.
Other names: short protein forms S567C.
Identifiers: ClinVar variation 5004915 (VCV005004915.1).